The following is an entry in ClinVar:

NM_001003841.3(SLC6A19):c.595C>T (p.Leu199=)

Gene: SLC6A19 (solute carrier family 6 member 19; plus strand). Cytogenetic location: 5p15.33.
Variant type: single nucleotide variant.
Coding change: c.595C>T on transcript NM_001003841.3 (MANE Select); coding-DNA position 595, C replaced by T.
Protein change: p.Leu199=; no amino-acid change (leucine 199 retained).
Molecular consequence: synonymous variant.
Genome position (GRCh38, 1-based): chr5:1,212,416, C>T. VCF-style: chr5-1212416-C-T. GRCh37 (hg19) VCF-style: chr5-1212531-C-T.
Identifiers: ClinVar variation 3057967 (VCV003057967.4), dbSNP rs550182623, ClinGen allele CA3182777.
Genomic context (GRCh38, chr5:1,212,416, plus strand): 5'-GAGACGCTCAACATCTCCACGTCCATCAGCGACTCGGGCTCCATCCAGTGGTGGATGCTG[C>T]TGTGCCTGGCCTGCGCATGGAGCGTCCTGTACATGTGCACCATCCGCGGCATCGAGACCA-3'
Protein context (NP_001003841.1, residues 189-209): DSGSIQWWML[Leu199=]CLACAWSVLY

ClinVar aggregate classification (germline): Likely benign. Review status: criteria provided, single submitter (1 of 4 stars). 2 submissions from 2 submitters: Likely benign (1). 1 of the submissions does not count toward it. Last evaluated 2025-07-20.

Conditions:
SLC6A19-related disorder. Also called: SLC6A19-related condition.

Allele frequency attached by ClinVar (database versions not stated): ExAC 0.00017; gnomAD 0.00007; gnomAD exomes 0.00012; TOPMed 0.00004.
gnomAD v4.1: 187 of 1,612,652 alleles (0.012%); highest among the groups gnomAD compares: South Asian, 0.17%; 4 homozygotes.

Submissions (2):

Labcorp Genetics (formerly Invitae), Labcorp
Classification: Likely benign. Last evaluated: 2025-07-20. Review status: criteria provided, single submitter. Criteria: Invitae Variant Classification Sherloc (09022015). Collection method: clinical testing. Allele origin: germline.

PreventionGenetics, part of Exact Sciences
Classification: Likely benign for SLC6A19-related condition. Last evaluated: 2019-03-20. Review status: no assertion criteria provided. Collection method: clinical testing. Allele origin: germline. Not counted in ClinVar's aggregate classification.
Comment: This variant is classified as likely benign based on ACMG/AMP sequence variant interpretation guidelines (Richards et al. 2015 PMID: 25741868, with internal and published modifications).